The following is an entry in ClinVar:

NM_016247.4(IMPG2):c.1239+6T>C

Gene: IMPG2 (interphotoreceptor matrix proteoglycan 2; minus strand). Cytogenetic location: 3q12.3.
Variant type: single nucleotide variant.
Coding change: c.1239+6T>C on transcript NM_016247.4 (MANE Select); 6 bases into the intron after coding-DNA position 1239, T replaced by C.
Molecular consequence: intron variant.
Genome position (GRCh38, 1-based): chr3:101,253,690, A>G on the plus strand (T>C on the coding strand, the complement: IMPG2 is on the minus strand). VCF-style: chr3-101253690-A-G. GRCh37 (hg19) VCF-style: chr3-100972534-A-G.
Identifiers: ClinVar variation 1957898 (VCV001957898.4), dbSNP rs766767916, ClinGen allele CA2580068537.

ClinVar aggregate classification (germline): Uncertain significance (1 of 4 stars; one submission).

gnomAD v4.1: 3 of 1,602,130 alleles (0.00019%); highest among the groups gnomAD compares: Admixed American, 0.0017%; no homozygotes.

Submission:

Labcorp Genetics (formerly Invitae), Labcorp
Classification: Uncertain significance. Last evaluated: 2022-07-25. Review status: criteria provided, single submitter. Criteria: Invitae Variant Classification Sherloc (09022015). Collection method: clinical testing. Allele origin: germline.
Comment: Variants that disrupt the consensus splice site are a relatively common cause of aberrant splicing (PMID: 17576681, 9536098). Algorithms developed to predict the effect of sequence changes on RNA splicing suggest that this variant is not likely to affect RNA splicing. This variant has not been reported in the literature in individuals affected with IMPG2-related conditions. This variant is not present in population databases (gnomAD no frequency). This sequence change falls in intron 11 of the IMPG2 gene. It does not directly change the encoded amino acid sequence of the IMPG2 protein. It affects a nucleotide within the consensus splice site. In summary, the available evidence is currently insufficient to determine the role of this variant in disease. Therefore, it has been classified as a Variant of Uncertain Significance.

Literature cited by the submitters: PubMed 17576681; PubMed 9536098.